The following is an entry in ClinVar:

NM_014994.3(MAPKBP1):c.3032A>C (p.Asp1011Ala)

Gene: MAPKBP1 (mitogen-activated protein kinase binding protein 1; plus strand). Cytogenetic location: 15q15.1.
Variant type: single nucleotide variant.
Coding change: c.3032A>C on transcript NM_014994.3 (MANE Select); coding-DNA position 3032, A replaced by C.
Protein change: p.Asp1011Ala; replaces aspartic acid 1011 with alanine.
Molecular consequence: missense variant. On other transcripts: non-coding transcript variant (2).
Genome position (GRCh38, 1-based): chr15:41,822,225, A>C. VCF-style: chr15-41822225-A-C. GRCh37 (hg19) VCF-style: chr15-42114423-A-C.
Other names: c.3050A>C (NM_001128608.1); c.3050A>C, p.Asp1017Ala (NM_001128608.2); c.3032A>C, p.Asp1011Ala (NM_001265611.2); short protein forms D1011A, D1017A.
Identifiers: ClinVar variation 1418422 (VCV001418422.7), dbSNP rs144729646, ClinGen allele CA7498471.

ClinVar aggregate classification (germline): Uncertain significance. Review status: criteria provided, multiple submitters, no conflicts (2 of 4 stars). 2 submissions from 2 submitters: Uncertain significance (2). Last evaluated 2025-05-21.

Conditions:
Inborn genetic diseases. Identifiers: MedGen C0950123, MeSH D030342.

Allele frequency attached by ClinVar (database versions not stated): ExAC 0.00008; gnomAD exomes 0.00008; gnomAD 0.00009 and 0.00010; TOPMed 0.00010; ESP Exome Variant Server 0.00031.

Submissions (2):

Ambry Genetics
Classification: Uncertain significance for Inborn genetic diseases. Last evaluated: 2025-05-21. Review status: criteria provided, single submitter. Criteria: Ambry Variant Classification Scheme 2023. Collection method: clinical testing. Allele origin: germline.

Labcorp Genetics (formerly Invitae), Labcorp
Classification: Uncertain significance. Last evaluated: 2025-02-20. Review status: criteria provided, single submitter. Criteria: Invitae Variant Classification Sherloc (09022015). Collection method: clinical testing. Allele origin: germline.
Comment: This sequence change replaces aspartic acid, which is acidic and polar, with alanine, which is neutral and non-polar, at codon 1017 of the MAPKBP1 protein (p.Asp1017Ala). This variant is present in population databases (rs144729646, gnomAD 0.01%). This variant has not been reported in the literature in individuals affected with MAPKBP1-related conditions. ClinVar contains an entry for this variant (Variation ID: 1418422). An algorithm developed to predict the effect of missense changes on protein structure and function (PolyPhen-2) suggests that this variant is likely to be disruptive. In summary, the available evidence is currently insufficient to determine the role of this variant in disease. Therefore, it has been classified as a Variant of Uncertain Significance.